The following is an entry in ClinVar:

NM_001374623.1(PNPLA1):c.514G>A (p.Asp172Asn)

Gene: PNPLA1 (patatin like domain 1, omega-hydroxyceramide transacylase; plus strand). Cytogenetic location: 6p21.31.
Variant type: single nucleotide variant.
Coding change: c.514G>A on transcript NM_001374623.1 (MANE Select); coding-DNA position 514, G replaced by A.
Protein change: p.Asp172Asn; replaces aspartic acid 172 with asparagine.
Molecular consequence: missense variant.
Genome position (GRCh38, 1-based): chr6:36,294,199, G>A. VCF-style: chr6-36294199-G-A. GRCh37 (hg19) VCF-style: chr6-36261976-G-A.
Other names: c.514G>A, p.Asp172Asn (NM_001145717.1); c.256G>A, p.Asp86Asn (NM_001145716.2); c.229G>A, p.Asp77Asn (NM_173676.2); short protein forms D172N, D77N, D86N.
Identifiers: ClinVar variation 684638 (VCV000684638.44), dbSNP rs373148099, ClinGen allele CA3777758.

ClinVar aggregate classification (germline): Pathogenic. Review status: criteria provided, multiple submitters, no conflicts (2 of 4 stars). 4 submissions from 4 submitters: Pathogenic (3). 1 of the submissions does not count toward it. Last evaluated 2025-06-05.

Conditions:
Congenital ichthyosiform erythroderma. Identifiers: MedGen C0079583, HP:0007431.
Lamellar ichthyosis. Identifiers: Orphanet 313, MedGen C5848247, MONDO:0017778.

Allele frequency attached by ClinVar (database versions not stated): ExAC 0.00001; gnomAD 0.00001 and 0.00002; gnomAD exomes 0.00001 and 0.00002; ESP Exome Variant Server 0.00008.
gnomAD v4.1: 14 of 1,613,980 alleles (0.00087%); highest among the groups gnomAD compares: Admixed American, 0.0067%; no homozygotes.

Submissions (4):

GeneDx
Classification: Pathogenic. Last evaluated: 2025-06-05. Review status: criteria provided, single submitter. Criteria: GeneDx Variant Classification Process June 2021. Collection method: clinical testing. Allele origin: germline. Affected: yes.
Comment: Published functional studies suggest a damaging effect: aberrant lipophagy and lipophagic vesicle maturation (PMID: 30655104); This variant is associated with the following publications: (PMID: 27884779, 28093717, 29624231, 28403545, 28369476, 34426522, 30655104)

Women's Health and Genetics/Laboratory Corporation of America, LabCorp
Classification: Pathogenic for Lamellar ichthyosis. Last evaluated: 2025-06-03. Review status: criteria provided, single submitter. Criteria: LabCorp Variant Classification Summary - May 2015. Collection method: clinical testing. Allele origin: germline.
Comment: Variant summary: PNPLA1 c.514G>A (p.Asp172Asn) results in a conservative amino acid change in the encoded protein sequence. Algorithms developed to predict the effect of missense changes on protein structure and function are either unavailable or do not agree on the potential impact of this missense change. The variant allele was found at a frequency of 2e-05 in 250194 control chromosomes. c.514G>A has been observed in multiple individuals affected with Lamellar Ichthyosis (examples: Boyden_2017, and Youssefian_2019). These data indicate that the variant is very likely to be associated with disease. The following publications have been ascertained in the context of this evaluation (PMID: 28403545, 30578701). ClinVar contains an entry for this variant (Variation ID: 684638). Based on the evidence outlined above, the variant was classified as pathogenic.

CeGaT Center for Human Genetics Tuebingen
Classification: Pathogenic. Last evaluated: 2017-07-01. Review status: criteria provided, single submitter. Criteria: CeGaT Center For Human Genetics Tuebingen Variant Classification Criteria Version 2. Collection method: clinical testing. Allele origin: germline. Affected: yes. Observed: 1 variant allele.

Yale Center for Mendelian Genomics, Yale University
Classification: Pathogenic for Congenital ichthyosis. Last evaluated: 2017-06-07. Review status: no assertion criteria provided. Collection method: literature only. Allele origin: de novo. Affected: yes. Observed: 1 homozygote. Not counted in ClinVar's aggregate classification.

Literature cited by the submitters: PubMed 30578701 (cited by Women's Health and Genetics/Laboratory Corporation of America, LabCorp); PubMed 28403545 (cited by Women's Health and Genetics/Laboratory Corporation of America, LabCorp and Yale Center for Mendelian Genomics, Yale University).